The following is an entry in ClinVar:

NM_004174.4(SLC9A3):c.*235G>T

Gene: SLC9A3 (solute carrier family 9 member A3). Cytogenetic location: 5p15.33.
Variant type: single nucleotide variant.
Coding change: c.*235G>T on transcript NM_004174.4 (MANE Select); 235 bases downstream of the stop codon, G replaced by T.
Molecular consequence: 3 prime UTR variant.
Genome position (GRCh38, 1-based): chr5:473,144, C>A on the plus strand (G>T on the coding strand, the complement: SLC9A3 is on the minus strand). VCF-style: chr5-473144-C-A. GRCh37 (hg19) VCF-style: chr5-473259-C-A.
Other names: c.*235G>T (NM_001284351.3).
Identifiers: ClinVar variation 2655248 (VCV002655248.24), dbSNP rs866897416, ClinGen allele CA112828386.
Genomic context (GRCh38, chr5:473,144, plus strand): 5'-GCTGTGCACGCGGCGCGCCGCCGCCGAACGCGCGTGCGCACTCGGCAGCCCTCGGCGCTC[C>A]GGCCCCGCCCCCGGCGCAGGCCCCGCCCCCGGCTCGCCCTCGGGCGGCTCTGCGGGCGCA-3'

ClinVar aggregate classification (germline): Likely benign (1 of 4 stars; one submission).

gnomAD v4.1: 2 of 244,168 alleles (0.00082%); highest among the groups gnomAD compares: Non-Finnish European, 0.00074%; no homozygotes.

Submission:

CeGaT Center for Human Genetics Tuebingen
Classification: Likely benign. Last evaluated: 2023-08-01. Review status: criteria provided, single submitter. Criteria: CeGaT Center For Human Genetics Tuebingen Variant Classification Criteria Version 2. Collection method: clinical testing. Allele origin: germline. Affected: yes. Observed: 2 variant alleles.
Comment: SLC9A3: PM2:Supporting, BP4, BP7